The following is an entry in ClinVar:

NM_000245.4(MET):c.768C>T (p.Asn256=)

Gene: MET (MET proto-oncogene, receptor tyrosine kinase; plus strand). Cytogenetic location: 7q31.2.
Variant type: single nucleotide variant.
Coding change: c.768C>T on transcript NM_000245.4 (MANE Select); coding-DNA position 768, C replaced by T.
Protein change: p.Asn256=; no amino-acid change (asparagine 256 retained).
Molecular consequence: synonymous variant. On other transcripts: intron variant (1).
Genome position (GRCh38, 1-based): chr7:116,699,852, C>T. VCF-style: chr7-116699852-C-T. GRCh37 (hg19) VCF-style: chr7-116339906-C-T.
Other names: c.768C>T, p.Asn256= (NM_001127500.3, NM_001324401.3); c.-91+27275C>T (NM_001324402.2).
Identifiers: ClinVar variation 485755 (VCV000485755.15), dbSNP rs1221580502, ClinGen allele CA457447890.

ClinVar aggregate classification (germline): Benign/Likely benign. Review status: criteria provided, multiple submitters, no conflicts (2 of 4 stars). 3 submissions from 3 submitters: Benign (1); Likely benign (2). Last evaluated 2024-11-06.

Conditions:
Renal cell carcinoma. Identifiers: Orphanet 217071, MedGen C0007134, MeSH D002292, MONDO:0005086, HP:0005584.
Papillary renal cell carcinoma type 1 (RCCP1). Also called: RENAL CELL CARCINOMA, PAPILLARY, 1, SOMATIC; Renal adenocarcinoma; Renal cell carcinoma 1; Renal cell carcinoma, somatic. Identifiers: Orphanet 47044, MedGen C1336839, OMIM 605074, HP:0011797.
Hereditary cancer-predisposing syndrome. Also called: Tumor predisposition; Hereditary Cancer Syndrome; Hereditary neoplastic syndrome; Neoplastic Syndromes, Hereditary. Identifiers: Orphanet 140162, MedGen C0027672, MeSH D009386, MONDO:0015356.

Allele frequency attached by ClinVar (database versions not stated): TOPMed below 0.00001; gnomAD 0.00001.
gnomAD v4.1: 2 of 1,613,964 alleles (0.00012%); highest among the groups gnomAD compares: African/African-American, 0.0013%; no homozygotes.

Submissions (3):

Myriad Genetics, Inc.
Classification: Benign for Papillary renal cell carcinoma type 1. Last evaluated: 2024-11-06. Review status: criteria provided, single submitter. Criteria: Myriad Autosomal Dominant, Autosomal Recessive and X-Linked Classification Criteria (2023). Collection method: clinical testing. Allele origin: unknown.
Comment: This variant is considered benign. This variant is a silent/synonymous amino acid change and it is not expected to impact splicing.

Labcorp Genetics (formerly Invitae), Labcorp
Classification: Likely benign for Renal cell carcinoma. Last evaluated: 2022-09-02. Review status: criteria provided, single submitter. Criteria: Invitae Variant Classification Sherloc (09022015). Collection method: clinical testing. Allele origin: germline.

Ambry Genetics
Classification: Likely benign for Hereditary cancer-predisposing syndrome. Last evaluated: 2016-12-14. Review status: criteria provided, single submitter. Criteria: Ambry Variant Classification Scheme 2023. Collection method: clinical testing. Allele origin: germline.